The following is an entry in ClinVar:

NM_001029883.3(PCARE):c.195G>C (p.Arg65Ser)

Gene: PCARE (photoreceptor cilium actin regulator; minus strand). Cytogenetic location: 2p23.2.
Variant type: single nucleotide variant.
Coding change: c.195G>C on transcript NM_001029883.3 (MANE Select); coding-DNA position 195, G replaced by C.
Protein change: p.Arg65Ser; replaces arginine 65 with serine.
Molecular consequence: missense variant.
Genome position (GRCh38, 1-based): chr2:29,074,067, C>G on the plus strand (G>C on the coding strand, the complement: PCARE is on the minus strand). VCF-style: chr2-29074067-C-G. GRCh37 (hg19) VCF-style: chr2-29296933-C-G.
Other names: short protein forms R65S.
Identifiers: ClinVar variation 841039 (VCV000841039.10), dbSNP rs369928868, ClinGen allele CA1592695.
Genomic context (GRCh38, chr2:29,074,067, plus strand): 5'-TTTGCCTGAAGCAGGATCTCCCATGAGCTGACAAAGACCTTTAGCTGTGGTTTGGTTCCT[C>G]CTGGGACTTGGCTGCTCCTCTGCCAGGCCCTCCCCAGCGTCATAGCAGGTGGAGTTTTTA-3'
Protein context (NP_001025054.1, residues 55-75): EGLAEEQPSP[Arg65Ser]RNQTTAKGLC

ClinVar aggregate classification (germline): Uncertain significance. Review status: criteria provided, multiple submitters, no conflicts (2 of 4 stars). 2 submissions from 2 submitters: Uncertain significance (2). Last evaluated 2024-10-25.

Allele frequency attached by ClinVar (database versions not stated): gnomAD 0.00004 and 0.00005; TOPMed 0.00007; ESP Exome Variant Server 0.00008; ExAC 0.00011; gnomAD exomes 0.00011.
gnomAD v4.1: 94 of 1,614,082 alleles (0.0058%); highest among the groups gnomAD compares: Middle Eastern, 0.23%; 1 homozygote.

Submissions (2):

Labcorp Genetics (formerly Invitae), Labcorp
Classification: Uncertain significance. Last evaluated: 2024-10-25. Review status: criteria provided, single submitter. Criteria: Invitae Variant Classification Sherloc (09022015). Collection method: clinical testing. Allele origin: germline.
Comment: This sequence change replaces arginine, which is basic and polar, with serine, which is neutral and polar, at codon 65 of the PCARE protein (p.Arg65Ser). This variant is present in population databases (rs369928868, gnomAD 0.02%), including at least one homozygous and/or hemizygous individual. This variant has not been reported in the literature in individuals affected with PCARE-related conditions. ClinVar contains an entry for this variant (Variation ID: 841039). An algorithm developed to predict the effect of missense changes on protein structure and function (PolyPhen-2) suggests that this variant is likely to be tolerated. In summary, the available evidence is currently insufficient to determine the role of this variant in disease. Therefore, it has been classified as a Variant of Uncertain Significance.

Blueprint Genetics
Classification: Uncertain significance. Last evaluated: 2024-08-29. Review status: criteria provided, single submitter. Criteria: ACMG Guidelines, 2015. Collection method: clinical testing. Allele origin: germline.